The following is an entry in ClinVar:

ClinVar aggregate classification (germline): Uncertain significance (1 of 4 stars; one submission).

Conditions:
Cutis laxa, X-linked (OHS). Also called: EDS IX; Occipital horn syndrome. Identifiers: Orphanet 198, MedGen C0268353, MONDO:0010572, OMIM 304150.

Submission:

Centre for Mendelian Genomics, University Medical Centre Ljubljana
Classification: Uncertain significance for Cutis laxa, X-linked. Last evaluated: 2019-03-20. Review status: criteria provided, single submitter. Criteria: ACMG Guidelines, 2015. Collection method: clinical testing. Allele origin: unknown. Affected: yes.
Comment: This variant was classified as: Uncertain significance. The available evidence on this variant's pathogenicity is insufficient or conflicting. The following ACMG criteria were applied in classifying this variant: PP2. This variant was detected in hemizygous state.

NM_000052.7(ATP7A):c.1555A>T (p.Ile519Leu)

Gene: ATP7A (ATPase copper transporting alpha; plus strand). Cytogenetic location: Xq21.1.
Variant type: single nucleotide variant.
Coding change: c.1555A>T on transcript NM_000052.7 (MANE Select); coding-DNA position 1555, A replaced by T.
Protein change: p.Ile519Leu; replaces isoleucine 519 with leucine.
Molecular consequence: missense variant.
Genome position (GRCh38, 1-based): chrX:78,003,084, A>T. VCF-style: chrX-78003084-A-T. GRCh37 (hg19) VCF-style: chrX-77258581-A-T.
Other names: c.1555A>T, p.Ile519Leu (NM_001282224.2); short protein forms I519L.
Identifiers: ClinVar variation 931531 (VCV000931531.3), dbSNP rs1234971496, ClinGen allele CA413595196.